The following is an entry in ClinVar:

ClinVar aggregate classification (germline): Uncertain significance. Review status: criteria provided, multiple submitters, no conflicts (2 of 4 stars). 2 submissions from 2 submitters: Uncertain significance (2). Last evaluated 2023-09-20.

Conditions:
Hereditary cancer-predisposing syndrome. Also called: Neoplastic Syndromes, Hereditary; Hereditary Cancer Syndrome; Tumor predisposition; Hereditary neoplastic syndrome. Identifiers: Orphanet 140162, MedGen C0027672, MeSH D009386, MONDO:0015356.
Hereditary diffuse gastric adenocarcinoma (HDGC). Also called: DIFFUSE GASTRIC AND LOBULAR BREAST CANCER SYNDROME. Identifiers: Orphanet 26106, MedGen C1708349, MONDO:0007648, OMIM 137215.

gnomAD v4.1: 1 of 1,614,138 alleles (0.000062%); highest among the groups gnomAD compares: Non-Finnish European, 0.000085%; no homozygotes.

Submissions (2):

Ambry Genetics
Classification: Uncertain significance for Hereditary cancer-predisposing syndrome. Last evaluated: 2023-09-20. Review status: criteria provided, single submitter. Criteria: Ambry Variant Classification Scheme 2023. Collection method: clinical testing. Allele origin: germline.
Comment: The p.A361T variant (also known as c.1081G>A), located in coding exon 8 of the CDH1 gene, results from a G to A substitution at nucleotide position 1081. The alanine at codon 361 is replaced by threonine, an amino acid with similar properties. This amino acid position is well conserved in available vertebrate species. In addition, this alteration is predicted to be tolerated by in silico analysis. Since supporting evidence is limited at this time, the clinical significance of this alteration remains unclear.

Labcorp Genetics (formerly Invitae), Labcorp
Classification: Uncertain significance for Hereditary diffuse gastric adenocarcinoma. Last evaluated: 2021-02-08. Review status: criteria provided, single submitter. Criteria: Invitae Variant Classification Sherloc (09022015). Collection method: clinical testing. Allele origin: germline.
Comment: This sequence change replaces alanine with threonine at codon 361 of the CDH1 protein (p.Ala361Thr). The alanine residue is highly conserved and there is a small physicochemical difference between alanine and threonine. This variant is not present in population databases (ExAC no frequency). This variant has not been reported in the literature in individuals with CDH1-related conditions. Algorithms developed to predict the effect of missense changes on protein structure and function are either unavailable or do not agree on the potential impact of this missense change (SIFT: "Deleterious"; PolyPhen-2: "Probably Damaging"; Align-GVGD: "Class C0"). In summary, the available evidence is currently insufficient to determine the role of this variant in disease. Therefore, it has been classified as a Variant of Uncertain Significance.

NM_004360.5(CDH1):c.1081G>A (p.Ala361Thr)

Gene: CDH1 (cadherin 1; plus strand). Cytogenetic location: 16q22.1.
Variant type: single nucleotide variant.
Coding change: c.1081G>A on transcript NM_004360.5 (MANE Select); coding-DNA position 1081, G replaced by A.
Protein change: p.Ala361Thr; replaces alanine 361 with threonine.
Molecular consequence: missense variant. On other transcripts: 5 prime UTR variant (2).
Genome position (GRCh38, 1-based): chr16:68,812,207, G>A. VCF-style: chr16-68812207-G-A. GRCh37 (hg19) VCF-style: chr16-68846110-G-A.
Other names: c.1081G>A, p.Ala361Thr (NM_001317184.2); c.-535G>A (NM_001317185.2); c.-739G>A (NM_001317186.2); c.1081G>A (NM_004360.3); short protein forms A361T.
Identifiers: ClinVar variation 1435977 (VCV001435977.10), dbSNP rs2152132621, ClinGen allele CA396460066.